The following is an entry in ClinVar:

NM_014141.6(CNTNAP2):c.1037A>G (p.Asn346Ser)

Gene: CNTNAP2 (contactin associated protein 2; plus strand). Cytogenetic location: 7q35.
Variant type: single nucleotide variant.
Coding change: c.1037A>G on transcript NM_014141.6 (MANE Select); coding-DNA position 1037, A replaced by G.
Protein change: p.Asn346Ser; replaces asparagine 346 with serine.
Molecular consequence: missense variant.
Genome position (GRCh38, 1-based): chr7:147,128,790, A>G. VCF-style: chr7-147128790-A-G. GRCh37 (hg19) VCF-style: chr7-146825882-A-G.
Other names: short protein forms N346S.
Identifiers: ClinVar variation 198560 (VCV000198560.14), dbSNP rs748787013, ClinGen allele CA247278.

ClinVar aggregate classification (germline): Uncertain significance. Review status: criteria provided, multiple submitters, no conflicts (2 of 4 stars). 3 submissions from 3 submitters: Uncertain significance (3). Last evaluated 2022-09-06.

Conditions:
Cortical dysplasia-focal epilepsy syndrome (PTHSL1). Also called: Pitt-Hopkins-like syndrome 1. Identifiers: Orphanet 163681, Orphanet 221150, MedGen C2750246, MONDO:0012400, OMIM 610042.

Allele frequency attached by ClinVar (database versions not stated): TOPMed below 0.00001; ExAC 0.00001; gnomAD 0.00001; gnomAD exomes 0.00001.
gnomAD v4.1: 16 of 1,614,010 alleles (0.00099%); highest among the groups gnomAD compares: East Asian, 0.0022%; no homozygotes.

Submissions (3):

Labcorp Genetics (formerly Invitae), Labcorp
Classification: Uncertain significance for Cortical dysplasia-focal epilepsy syndrome. Last evaluated: 2022-09-06. Review status: criteria provided, single submitter. Criteria: Invitae Variant Classification Sherloc (09022015). Collection method: clinical testing. Allele origin: germline.
Comment: In summary, the available evidence is currently insufficient to determine the role of this variant in disease. Therefore, it has been classified as a Variant of Uncertain Significance. Algorithms developed to predict the effect of missense changes on protein structure and function are either unavailable or do not agree on the potential impact of this missense change (SIFT: "Deleterious"; PolyPhen-2: "Possibly Damaging"; Align-GVGD: "Class C0"). ClinVar contains an entry for this variant (Variation ID: 198560). This variant has not been reported in the literature in individuals affected with CNTNAP2-related conditions. This variant is present in population databases (rs748787013, gnomAD 0.006%). This sequence change replaces asparagine, which is neutral and polar, with serine, which is neutral and polar, at codon 346 of the CNTNAP2 protein (p.Asn346Ser).

Center for Pediatric Genomic Medicine, Children's Mercy Hospital and Clinics
Classification: Uncertain significance. Last evaluated: 2016-09-29. Review status: criteria provided, single submitter. Criteria: ACMG Guidelines, 2015. Collection method: clinical testing. Allele origin: germline.
ClinVar note: Converted during submission from Uncertain Significance to Uncertain significance.

Eurofins Ntd Llc (ga)
Classification: Uncertain significance. Last evaluated: 2014-10-27. Review status: criteria provided, single submitter. Criteria: EGL Classification Definitions 2015. Collection method: clinical testing. Allele origin: germline. Observed: 2 variant alleles, 2 heterozygotes.